The following is an entry in ClinVar:

NM_014679.5(CEP57):c.1246A>G (p.Thr416Ala)

Gene: CEP57 (centrosomal protein 57; plus strand). Cytogenetic location: 11q21.
Variant type: single nucleotide variant.
Coding change: c.1246A>G on transcript NM_014679.5 (MANE Select); coding-DNA position 1246, A replaced by G.
Protein change: p.Thr416Ala; replaces threonine 416 with alanine.
Molecular consequence: missense variant.
Genome position (GRCh38, 1-based): chr11:95,829,305, A>G. VCF-style: chr11-95829305-A-G. GRCh37 (hg19) VCF-style: chr11-95562469-A-G.
Other names: c.1219A>G, p.Thr407Ala (NM_001243776.2); c.1168A>G, p.Thr390Ala (NM_001243777.2); c.1165A>G, p.Thr389Ala (NM_001363604.2); short protein forms T407A, T389A, T390A, T416A.
Identifiers: ClinVar variation 961410 (VCV000961410.11), dbSNP rs1370845733, ClinGen allele CA382408948.
Genomic context (GRCh38, chr11:95,829,305, plus strand): 5'-AAGTTGGAGTGTGAATTGGAGGCATTAGTGGGAAGGATGGAAGCAAAAGCCAACCAAATA[A>G]CTAAAGTTCGAAAATACCAAGCCCAGGTAACTCAGTTTTCCTTCACTCAAGTTTCTAATG-3'
Protein context (NP_055494.2, residues 406-426): GRMEAKANQI[Thr416Ala]KVRKYQAQLE

ClinVar aggregate classification (germline): Uncertain significance. Review status: criteria provided, multiple submitters, no conflicts (2 of 4 stars). 2 submissions from 2 submitters: Uncertain significance (2). Last evaluated 2025-01-01.

Conditions:
Mosaic variegated aneuploidy syndrome 2 (MVA2). Identifiers: Orphanet 1052, MedGen C3279843, MONDO:0013582, OMIM 614114.
Inborn genetic diseases. Identifiers: MedGen C0950123, MeSH D030342.

Allele frequency attached by ClinVar (database versions not stated): gnomAD exomes below 0.00001; TOPMed 0.00001; gnomAD 0.00002.
gnomAD v4.1: 6 of 1,613,882 alleles (0.00037%); highest among the groups gnomAD compares: African/African-American, 0.0067%; no homozygotes.

Submissions (2):

Ambry Genetics
Classification: Uncertain significance for Inborn genetic diseases. Last evaluated: 2025-01-01. Review status: criteria provided, single submitter. Criteria: Ambry Variant Classification Scheme 2023. Collection method: clinical testing. Allele origin: germline.
Comment: The p.T416A variant (also known as c.1246A>G), located in coding exon 10 of the CEP57 gene, results from an A to G substitution at nucleotide position 1246. The threonine at codon 416 is replaced by alanine, an amino acid with similar properties. This amino acid position is conserved. In addition, this alteration is predicted to be tolerated by in silico analysis. Based on the available evidence, the clinical significance of this variant remains unclear.

Labcorp Genetics (formerly Invitae), Labcorp
Classification: Uncertain significance for Mosaic variegated aneuploidy syndrome 2. Last evaluated: 2022-10-02. Review status: criteria provided, single submitter. Criteria: Invitae Variant Classification Sherloc (09022015). Collection method: clinical testing. Allele origin: germline.
Comment: In summary, the available evidence is currently insufficient to determine the role of this variant in disease. Therefore, it has been classified as a Variant of Uncertain Significance. Advanced modeling of protein sequence and biophysical properties (such as structural, functional, and spatial information, amino acid conservation, physicochemical variation, residue mobility, and thermodynamic stability) performed at Invitae indicates that this missense variant is not expected to disrupt CEP57 protein function. This variant has not been reported in the literature in individuals affected with CEP57-related conditions. ClinVar contains an entry for this variant (Variation ID: 961410). This sequence change replaces threonine, which is neutral and polar, with alanine, which is neutral and non-polar, at codon 416 of the CEP57 protein (p.Thr416Ala). This variant is not present in population databases (gnomAD no frequency).